The following is an entry in ClinVar:

ClinVar aggregate classification (germline): Uncertain significance (1 of 4 stars; one submission).

Submission:

GeneDx
Classification: Uncertain significance. Last evaluated: 2023-02-09. Review status: criteria provided, single submitter. Criteria: GeneDx Variant Classification Process June 2021. Collection method: clinical testing. Allele origin: germline. Affected: yes.
Comment: Not observed at significant frequency in large population cohorts (gnomAD); Missense variant in a gene in which most reported pathogenic variants are truncating/loss of function; Has not been previously published as pathogenic or benign to our knowledge

NM_001267550.2(TTN):c.89656T>C (p.Tyr29886His)

Genes: TTN (titin; minus strand), TTN-AS1 (TTN antisense RNA 1; plus strand). Cytogenetic location: 2q31.2.
Variant type: single nucleotide variant.
Coding change: c.89656T>C on transcript NM_001267550.2 (MANE Select); coding-DNA position 89656, T replaced by C.
Protein change: p.Tyr29886His; replaces tyrosine 29886 with histidine.
Molecular consequence: missense variant.
Genome position (GRCh38, 1-based): chr2:178,553,244, A>G on the plus strand (T>C on the coding strand, the complement: TTN is on the minus strand). VCF-style: chr2-178553244-A-G. GRCh37 (hg19) VCF-style: chr2-179417971-A-G.
Other names: c.84733T>C, p.Tyr28245His (NM_001256850.1); c.62461T>C, p.Tyr20821His (NM_003319.4); c.81952T>C, p.Tyr27318His (NM_133378.4); c.62836T>C, p.Tyr20946His (NM_133432.3); c.63037T>C, p.Tyr21013His (NM_133437.4); short protein forms Y20821H, Y20946H, Y21013H, Y27318H, Y28245H, Y29886H.
Identifiers: ClinVar variation 2575841 (VCV002575841.1), dbSNP rs2469318814, ClinGen allele CA349517083.